The following is an entry in ClinVar:

ClinVar aggregate classification (germline): Benign. Review status: criteria provided, multiple submitters, no conflicts (2 of 4 stars). 19 submissions from 16 submitters: Benign (15). 4 of the submissions do not count toward it. Last evaluated 2026-02-04.

Conditions:
RYR1-related disorder. Also called: RYR1-related condition; RYR1-related disorders. Identifiers: MedGen CN239331.
Congenital multicore myopathy with external ophthalmoplegia (CMYO1B). Also called: MULTIMINICORE DISEASE WITH EXTERNAL OPHTHALMOPLEGIA; MULTICORE MYOPATHY; Minicore myopathy with external ophthalmoplegia; Congenital myopathy 1B, autosomal recessive; Minicore myopathy. Identifiers: Orphanet 598, Orphanet 98905, MedGen C1850674, MONDO:0009712, OMIM 255320, HP:0003789.
Central core myopathy (CMYO1A). Also called: CONGENITAL MYOPATHY 1A, AUTOSOMAL DOMINANT, WITH SUSCEPTIBILITY TO MALIGNANT HYPERTHERMIA; Central core disease; Myopathy, central fibrillar. Identifiers: Orphanet 597, MedGen C5830701, MONDO:0007294, OMIM 117000.
Malignant hyperthermia, susceptibility to, 1 (MHS1). Also called: Malignant hyperthermia suceptibility 1; Anesthesia related hyperthermia; Malignant hyperpyrexia; Fulminating hyperpyrexia; Pharmacogenic myopathy; RYR1-Related Malignant Hyperthermia Susceptibility. Identifiers: Orphanet 423, MedGen C2930980, MONDO:0007783, OMIM 145600.
King Denborough syndrome (KDS). Identifiers: MedGen C1840365, MONDO:0020485, OMIM 619542.

Allele frequency attached by ClinVar (database versions not stated): gnomAD exomes 0.27686 and 0.32278; ESP Exome Variant Server 0.31086; gnomAD 0.32394 and 0.32876; ExAC 0.32510; TOPMed 0.33391; 1000 Genomes Project 30x 0.40334; 1000 Genomes Project 0.40695.
gnomAD v4.1: 455,604 of 1,613,272 alleles (28%); highest among the groups gnomAD compares: South Asian, 45%; 68,314 homozygotes.

Submissions (19):

Labcorp Genetics (formerly Invitae), Labcorp
Classification: Benign for RYR1-related disorder. Last evaluated: 2026-02-04. Review status: criteria provided, single submitter. Criteria: Invitae Variant Classification Sherloc (09022015). Collection method: clinical testing. Allele origin: germline.

Blueprint Genetics
Classification: Benign. Last evaluated: 2024-11-28. Review status: criteria provided, single submitter. Criteria: ACMG Guidelines, 2015. Collection method: clinical testing. Allele origin: germline.

Genome-Nilou Lab
Classification: Benign for Central core myopathy. Last evaluated: 2021-11-07. Review status: criteria provided, single submitter. Criteria: ACMG Guidelines, 2015. Collection method: clinical testing. Allele origin: germline. Affected: no.

Genome-Nilou Lab
Classification: Benign for King Denborough syndrome. Last evaluated: 2021-11-07. Review status: criteria provided, single submitter. Criteria: ACMG Guidelines, 2015. Collection method: clinical testing. Allele origin: germline. Affected: no.

Genome-Nilou Lab
Classification: Benign for Congenital multicore myopathy with external ophthalmoplegia. Last evaluated: 2021-11-07. Review status: criteria provided, single submitter. Criteria: ACMG Guidelines, 2015. Collection method: clinical testing. Allele origin: germline. Affected: no.

Color Diagnostics, LLC DBA Color Health
Classification: Benign for Malignant hyperthermia, susceptibility to, 1. Last evaluated: 2019-03-29. Review status: criteria provided, single submitter. Criteria: ACMG Guidelines, 2015. Collection method: clinical testing. Allele origin: germline.

PreventionGenetics, part of Exact Sciences
Classification: Benign. Last evaluated: 2018-04-03. Review status: criteria provided, single submitter. Criteria: ACMG Guidelines, 2015. Collection method: clinical testing. Allele origin: germline.

Illumina Laboratory Services, Illumina
Classification: Benign for Malignant hyperthermia, susceptibility to, 1. Last evaluated: 2018-01-13. Review status: criteria provided, single submitter. Criteria: ICSL Variant Classification Criteria 13 December 2019. Collection method: clinical testing. Allele origin: germline.
Comment: This variant was observed in the ICSL laboratory as part of a predisposition screen in an ostensibly healthy population. It had not been previously curated by ICSL or reported in the Human Gene Mutation Database (HGMD: prior to June 1st, 2018), and was therefore a candidate for classification through an automated scoring system. Utilizing variant allele frequency, disease prevalence and penetrance estimates, and inheritance mode, an automated score was calculated to assess if this variant is too frequent to cause the disease. Based on the score and internal cut-off values, a variant classified as benign is not then subjected to further curation. The score for this variant resulted in a classification of benign for this disease.

Illumina Laboratory Services, Illumina
Classification: Benign for Congenital multicore myopathy with external ophthalmoplegia. Last evaluated: 2018-01-13. Review status: criteria provided, single submitter. Criteria: ICSL Variant Classification Criteria 13 December 2019. Collection method: clinical testing. Allele origin: germline.
Comment: the same text as in the submission from Illumina Laboratory Services, Illumina above.

Mayo Clinic Laboratories, Mayo Clinic
Classification: Benign. Last evaluated: 2017-07-19. Review status: criteria provided, single submitter. Criteria: ACMG Guidelines, 2015. Collection method: clinical testing. Allele origin: germline. Observed: 400 variant alleles.

GeneDx
Classification: Benign. Last evaluated: 2016-01-25. Review status: criteria provided, single submitter. Criteria: GeneDx Variant Classification (06012015). Collection method: clinical testing. Allele origin: germline. Affected: yes.
Comment: This variant is considered likely benign or benign based on one or more of the following criteria: it is a conservative change, it occurs at a poorly conserved position in the protein, it is predicted to be benign by multiple in silico algorithms, and/or has population frequency not consistent with disease.

Laboratory for Molecular Medicine, Mass General Brigham Personalized Medicine
Classification: Benign. Last evaluated: 2015-01-13. Review status: criteria provided, single submitter. Criteria: LMM Criteria. Collection method: clinical testing. Allele origin: germline. Observed: 4 variant alleles.
Comment: p.Pro3062Pro in exon 62 of RYR1: This variant is not expected to have clinical s ignificance because it does not alter an amino acid residue and is not located w ithin the splice consensus sequence. It has been identified in 42.7% (1882/4406) of African American chromosomes from a broad population by the NHLBI Exome Sequ encing Project (dbSNP rs2071089).

Eurofins Ntd Llc (ga)
Classification: Benign. Last evaluated: 2014-06-06. Review status: criteria provided, single submitter. Criteria: EGL Classification Definitions 2015. Collection method: clinical testing. Allele origin: germline. Observed: 25 variant alleles, 23 heterozygotes, 2 homozygotes.

Genetic Services Laboratory, University of Chicago
Classification: Benign. Last evaluated: 2013-08-15. Review status: criteria provided, single submitter. Criteria: ACMG Guidelines, 2007. Collection method: clinical testing. Allele origin: germline. Inheritance: Autosomal unknown.

Breakthrough Genomics
Classification: Benign. Review status: criteria provided, single submitter. Criteria: ACMG Guidelines, 2015. Collection method: not provided. Allele origin: germline. Inheritance: Autosomal recessive inheritance. Affected: yes.

Clinical Genetics, Academic Medical Center
Classification: Benign. Review status: no assertion criteria provided. Collection method: clinical testing. Allele origin: germline. Affected: yes. Study: VKGL Data-share Consensus. Not counted in ClinVar's aggregate classification.

Department of Pathology and Laboratory Medicine, Sinai Health System
Classification: Uncertain significance. Review status: no assertion criteria provided. Collection method: clinical testing. Allele origin: unknown. Affected: yes. Study: The Canadian Open Genetics Repository (COGR). Not counted in ClinVar's aggregate classification.
Comment: Allele frequency is common in at least one population database (frequency: 45.77% in gnomAD_Exomes) based on the frequency threshold of 2.223% for this gene. Variant was observed in a homozygous state in population databases more than expected for disease. 9 reputable source/s reports the variant as benign, but the evidence is not available to the laboratory to perform an independent evaluation. A synonymous variant not located in a splice region.

Joint Genome Diagnostic Labs from Nijmegen and Maastricht, Radboudumc and MUMC+
Classification: Benign. Review status: no assertion criteria provided. Collection method: clinical testing. Allele origin: germline. Affected: yes. Study: VKGL Data-share Consensus. Not counted in ClinVar's aggregate classification.

RYR1 database
No classification provided. Review status: no classification provided. Collection method: not provided. Allele origin: unknown. Not counted in ClinVar's aggregate classification.

NM_000540.3(RYR1):c.9186A>G (p.Pro3062=)

Gene: RYR1 (ryanodine receptor 1; plus strand). Cytogenetic location: 19q13.2.
Variant type: single nucleotide variant.
Coding change: c.9186A>G on transcript NM_000540.3 (MANE Select); coding-DNA position 9186, A replaced by G.
Protein change: p.Pro3062=; no amino-acid change (proline 3062 retained).
Molecular consequence: synonymous variant.
Genome position (GRCh38, 1-based): chr19:38,512,085, A>G. VCF-style: chr19-38512085-A-G. GRCh37 (hg19) VCF-style: chr19-39002725-A-G.
Other names: p.Pro3062=; c.9186A>G, p.Pro3062= (NM_001042723.2).
Identifiers: ClinVar variation 93306 (VCV000093306.36), dbSNP rs2071089, ClinGen allele CA024969.
Genomic context (GRCh38, chr19:38,512,085, plus strand): 5'-CTGTCCTCTTAGCCATGGCATCCCCCCGGCCCATCTTCCTCTCCCAGGGACAGACGCCCC[A>G]GCTGTGGTCAACTGTCTTCACATCCTGGCCCGCTCCCTGGATGCCAGGTAGGGCCATAGG-3'
Protein context (NP_000531.2, residues 3052-3072): HRVSLFGTDA[Pro3062=]AVVNCLHILA